The following is an entry in ClinVar:

NM_030962.4(SBF2):c.5285C>T (p.Pro1762Leu)

Genes: SBF2 (SET binding factor 2; minus strand), SBF2-AS1 (SBF2 antisense RNA 1; plus strand), LOC105369149 (uncharacterized LOC105369149; plus strand). Cytogenetic location: 11p15.4.
Variant type: single nucleotide variant.
Coding change: c.5285C>T on transcript NM_030962.4 (MANE Select); coding-DNA position 5285, C replaced by T.
Protein change: p.Pro1762Leu; replaces proline 1762 with leucine.
Molecular consequence: missense variant.
Genome position (GRCh38, 1-based): chr11:9,784,385, G>A on the plus strand (C>T on the coding strand, the complement: SBF2 is on the minus strand). VCF-style: chr11-9784385-G-A. GRCh37 (hg19) VCF-style: chr11-9805932-G-A.
Other names: c.5381C>T, p.Pro1794Leu (NM_001386339.1); c.5156C>T, p.Pro1719Leu (NM_001386342.1); short protein forms P1762L, P1719L, P1794L.
Identifiers: ClinVar variation 938362 (VCV000938362.8), dbSNP rs1051248230, ClinGen allele CA217605525.
Genomic context (GRCh38, chr11:9,784,385, plus strand): 5'-ATTTCTTTTGGCTTTAAGAGTATTACCTGATGTTTTGTTACATCCAAAACAAACCAACGG[G>A]GCTTCCAACCTTTCAGCAAAGCCCCTCTTTTATAAAGTGTTCCCTCAAAGGACCTAGAAG-3'
Protein context (NP_112224.1, residues 1752-1772): KRGALLKGWK[Pro1762Leu]RWFVLDVTKH

ClinVar aggregate classification (germline): Uncertain significance (1 of 4 stars; one submission).

Conditions:
Charcot-Marie-Tooth disease type 4. Also called: Charcot-Marie-Tooth, Type 4; Charcot-Marie-Tooth disease, type IV. Identifiers: Orphanet 64749, MedGen C4082197, MONDO:0018995.

Allele frequency attached by ClinVar (database versions not stated): gnomAD exomes below 0.00001.
gnomAD v4.1: 5 of 1,614,126 alleles (0.00031%); highest among the groups gnomAD compares: South Asian, 0.0044%; no homozygotes.

Submission:

Labcorp Genetics (formerly Invitae), Labcorp
Classification: Uncertain significance for Charcot-Marie-Tooth disease type 4. Last evaluated: 2019-08-19. Review status: criteria provided, single submitter. Criteria: Invitae Variant Classification Sherloc (09022015). Collection method: clinical testing. Allele origin: germline.
Comment: In summary, the available evidence is currently insufficient to determine the role of this variant in disease. Therefore, it has been classified as a Variant of Uncertain Significance. Algorithms developed to predict the effect of missense changes on protein structure and function are either unavailable or do not agree on the potential impact of this missense change (SIFT: "Deleterious"; PolyPhen-2: "Benign"; Align-GVGD: "Class C0"). This variant has not been reported in the literature in individuals with SBF2-related conditions. This variant is not present in population databases (ExAC no frequency). This sequence change replaces proline with leucine at codon 1762 of the SBF2 protein (p.Pro1762Leu). The proline residue is moderately conserved and there is a moderate physicochemical difference between proline and leucine.